The following is an entry in ClinVar:

NM_031372.4(HNRNPDL):c.347G>C (p.Ser116Thr)

Gene: HNRNPDL (heterogeneous nuclear ribonucleoprotein D like; minus strand). Cytogenetic location: 4q21.22.
Variant type: single nucleotide variant.
Coding change: c.347G>C on transcript NM_031372.4 (MANE Select); coding-DNA position 347, G replaced by C.
Protein change: p.Ser116Thr; replaces serine 116 with threonine.
Molecular consequence: missense variant. On other transcripts: non-coding transcript variant (1).
Genome position (GRCh38, 1-based): chr4:82,429,344, C>G on the plus strand (G>C on the coding strand, the complement: HNRNPDL is on the minus strand). VCF-style: chr4-82429344-C-G. GRCh37 (hg19) VCF-style: chr4-83350497-C-G.
Other names: c.347G>C, p.Ser116Thr (NM_001207000.1); short protein forms S116T.
Identifiers: ClinVar variation 2818005 (VCV002818005.3), dbSNP rs2530023017, ClinGen allele CA357172564.
Genomic context (GRCh38, chr4:82,429,344, plus strand): 5'-GATCCCTCTGCGAATTCCTCTATATTGCTGTACTCGTTCATATCCTCCATAGTGACGGAG[C>G]TGTCGGCAGGGGGGTGCTGGCGCGCAGTCCGGGTCGCGGCAGCAGCGGCGGCGGAGCGTT-3'
Protein context (NP_112740.1, residues 106-126): RTARQHPPAD[Ser116Thr]SVTMEDMNEY

ClinVar aggregate classification (germline): Uncertain significance (1 of 4 stars; one submission).

Conditions:
Autosomal dominant limb-girdle muscular dystrophy type 1G (LGMDD3). Also called: Limb-girdle muscular dystrophy, type 1G; MUSCULAR DYSTROPHY, LIMB-GIRDLE, AUTOSOMAL DOMINANT 3. Identifiers: Orphanet 55596, MedGen C1836765, MONDO:0012193, OMIM 609115.

Submission:

Labcorp Genetics (formerly Invitae), Labcorp
Classification: Uncertain significance for Autosomal dominant limb-girdle muscular dystrophy type 1G. Last evaluated: 2022-12-02. Review status: criteria provided, single submitter. Criteria: Invitae Variant Classification Sherloc (09022015). Collection method: clinical testing. Allele origin: germline.
Comment: In summary, the available evidence is currently insufficient to determine the role of this variant in disease. Therefore, it has been classified as a Variant of Uncertain Significance. Algorithms developed to predict the effect of missense changes on protein structure and function (SIFT, PolyPhen-2, Align-GVGD) all suggest that this variant is likely to be tolerated. This variant has not been reported in the literature in individuals affected with HNRNPDL-related conditions. This variant is not present in population databases (gnomAD no frequency). This sequence change replaces serine, which is neutral and polar, with threonine, which is neutral and polar, at codon 116 of the HNRNPDL protein (p.Ser116Thr).